The following is an entry in ClinVar:

ClinVar aggregate classification (germline): Benign/Likely benign. Review status: criteria provided, multiple submitters, no conflicts (2 of 4 stars). 3 submissions from 3 submitters: Benign (1); Likely benign (2). Last evaluated 2026-01-26.

Conditions:
Congenital myasthenic syndrome 8. Also called: Myasthenic syndrome, congenital, 8, with pre- and postsynaptic defects; MYASTHENIC SYNDROME, CONGENITAL, DUE TO AGRIN DEFICIENCY. Identifiers: Orphanet 590, MedGen C3808739, MONDO:0014052, OMIM 615120.

Allele frequency attached by ClinVar (database versions not stated): gnomAD exomes 0.00017 and 0.00047; ExAC 0.00055; ESP Exome Variant Server 0.00138; TOPMed 0.00147; gnomAD 0.00161 and 0.00167; 1000 Genomes Project 0.00260; 1000 Genomes Project 30x 0.00265.
gnomAD v4.1: 527 of 1,613,624 alleles (0.033%); highest among the groups gnomAD compares: African/African-American, 0.54%; 1 homozygote.

Submissions (3):

Labcorp Genetics (formerly Invitae), Labcorp
Classification: Likely benign for Congenital myasthenic syndrome 8. Last evaluated: 2026-01-26. Review status: criteria provided, single submitter. Criteria: Invitae Variant Classification Sherloc (09022015). Collection method: clinical testing. Allele origin: germline.

Mayo Clinic Laboratories, Mayo Clinic
Classification: Likely benign. Last evaluated: 2025-03-25. Review status: criteria provided, single submitter. Criteria: ACMG Guidelines, 2015. Collection method: clinical testing. Allele origin: germline. Observed: 1 variant allele.
Comment: BS1, BP4

PreventionGenetics, part of Exact Sciences
Classification: Benign. Review status: criteria provided, single submitter. Criteria: ACMG Guidelines, 2015. Collection method: clinical testing. Allele origin: germline.

NM_198576.4(AGRN):c.5647G>A (p.Glu1883Lys)

Gene: AGRN (agrin; plus strand). Cytogenetic location: 1p36.33.
Variant type: single nucleotide variant.
Coding change: c.5647G>A on transcript NM_198576.4 (MANE Select); coding-DNA position 5647, G replaced by A.
Protein change: p.Glu1883Lys; replaces glutamic acid 1883 with lysine.
Molecular consequence: missense variant.
Genome position (GRCh38, 1-based): chr1:1,051,811, G>A. VCF-style: chr1-1051811-G-A. GRCh37 (hg19) VCF-style: chr1-987191-G-A.
Other names: p.Glu1883Lys; c.5659G>A, p.Glu1887Lys (NM_001305275.2); c.5344G>A, p.Glu1782Lys (NM_001364727.2); short protein forms E1883K, E1887K, E1782K.
Identifiers: ClinVar variation 263199 (VCV000263199.14), dbSNP rs139415524, ClinGen allele CA510122.
Genomic context (GRCh38, chr1:1,051,811, plus strand): 5'-GACGTGGATACCTTGGCCTTTGACGGGCGGACCTTTGTCGAGTACCTCAACGCTGTGACC[G>A]AGAGGTAACGTGCCATCCTCTGCTGGCTGTCGGTTCCATCTGTGCCCTCGGGGCGGGACA-3'
Protein context (NP_940978.2, residues 1873-1893): TFVEYLNAVT[Glu1883Lys]SEKALQSNHF